The following is an entry in ClinVar:

ClinVar aggregate classification (germline): Uncertain significance (1 of 4 stars; one submission).

Conditions:
Hereditary cancer-predisposing syndrome. Also called: Neoplastic Syndromes, Hereditary; Tumor predisposition; Hereditary Cancer Syndrome; Hereditary neoplastic syndrome. Identifiers: Orphanet 140162, MedGen C0027672, MeSH D009386, MONDO:0015356.

Submission:

Ambry Genetics
Classification: Uncertain significance for Hereditary cancer-predisposing syndrome. Last evaluated: 2025-06-30. Review status: criteria provided, single submitter. Criteria: Ambry Variant Classification Scheme 2023. Collection method: clinical testing. Allele origin: germline.
Comment: The p.Q906L variant (also known as c.2717A>T), located in coding exon 19 of the TSC1 gene, results from an A to T substitution at nucleotide position 2717. The glutamine at codon 906 is replaced by leucine, an amino acid with dissimilar properties. This amino acid position is conserved. In addition, this alteration is predicted to be deleterious by in silico analysis. Based on the available evidence, the clinical significance of this variant remains unclear.

NM_000368.5(TSC1):c.2717A>T (p.Gln906Leu)

Gene: TSC1 (TSC complex subunit 1; minus strand). Cytogenetic location: 9q34.13.
Variant type: single nucleotide variant.
Coding change: c.2717A>T on transcript NM_000368.5 (MANE Select); coding-DNA position 2717, A replaced by T.
Protein change: p.Gln906Leu; replaces glutamine 906 with leucine.
Molecular consequence: missense variant. On other transcripts: non-coding transcript variant (5).
Genome position (GRCh38, 1-based): chr9:132,897,519, T>A on the plus strand (A>T on the coding strand, the complement: TSC1 is on the minus strand). VCF-style: chr9-132897519-T-A. GRCh37 (hg19) VCF-style: chr9-135772906-T-A.
Other names: c.2714A>T, p.Gln905Leu (NM_001162426.2, NM_001406597.1, NM_001406598.1 and 2 more transcripts); c.2564A>T, p.Gln855Leu (NM_001162427.2, NM_001406610.1); c.2354A>T, p.Gln785Leu (NM_001362177.2, NM_001406614.1, NM_001406615.1 and 4 more transcripts); c.2717A>T, p.Gln906Leu (NM_001406592.1, NM_001406593.1, NM_001406594.1 and 2 more transcripts); c.2675A>T, p.Gln892Leu (NM_001406605.1, NM_001406606.1, NM_001406607.1); c.2672A>T, p.Gln891Leu (NM_001406608.1, NM_001406609.1); c.2561A>T, p.Gln854Leu (NM_001406611.1, NM_001406612.1); c.2519A>T, p.Gln840Leu (NM_001406613.1); and 8 more; short protein forms Q588L, Q770L, Q784L, Q855L, Q901L, Q555L, Q589L, Q840L.
Identifiers: ClinVar variation 4192063 (VCV004192063.1).
Genomic context (GRCh38, chr9:132,897,519, plus strand): 5'-TGTTCCAAAAGAAGGTGGTCTTTCTTGGCCAGGTGAGATTCCAGTTCCAAAATCCGTTTT[T>A]GGGAGGTATCAAGCCTCTGAGTCTGCTGGAGAACATGGCTTCTGTTTTTTTCTAGCTCTT-3'
Protein context (NP_000359.1, residues 896-916): LQQTQRLDTS[Gln906Leu]KRILELESHL